The following is an entry in ClinVar:

ClinVar aggregate classification (germline): Likely benign (1 of 4 stars; one submission).

Submission:

CeGaT Center for Human Genetics Tuebingen
Classification: Likely benign. Last evaluated: 2025-06-01. Review status: criteria provided, single submitter. Criteria: CeGaT Center For Human Genetics Tuebingen Variant Classification Criteria Version 2. Collection method: clinical testing. Allele origin: germline. Affected: yes. Observed: 1 variant allele.
Comment: TPSAB1: BS2

NM_003294.4(TPSAB1):c.756C>G (p.Asn252Lys)

Gene: TPSAB1 (tryptase alpha/beta 1; plus strand). Cytogenetic location: 16p13.3.
Variant type: single nucleotide variant.
Coding change: c.756C>G on transcript NM_003294.4 (MANE Select); coding-DNA position 756, C replaced by G.
Protein change: p.Asn252Lys; replaces asparagine 252 with lysine.
Molecular consequence: missense variant.
Genome position (GRCh38, 1-based): chr16:1,242,168, C>G. VCF-style: chr16-1242168-C-G. GRCh37 (hg19) VCF-style: chr16-1292169-C-G.
Other names: short protein forms N252K.
Identifiers: ClinVar variation 3905382 (VCV003905382.10).